The following is an entry in ClinVar:

ClinVar aggregate classification (germline): Uncertain significance (1 of 4 stars; one submission).

Submission:

Labcorp Genetics (formerly Invitae), Labcorp
Classification: Uncertain significance. Last evaluated: 2022-03-19. Review status: criteria provided, single submitter. Criteria: Invitae Variant Classification Sherloc (09022015). Collection method: clinical testing. Allele origin: germline.
Comment: Algorithms developed to predict the effect of sequence changes on RNA splicing suggest that this variant may create or strengthen a splice site. In summary, the available evidence is currently insufficient to determine the role of this variant in disease. Therefore, it has been classified as a Variant of Uncertain Significance. This variant is not present in population databases (gnomAD no frequency). This sequence change replaces glutamic acid, which is acidic and polar, with glycine, which is neutral and non-polar, at codon 20 of the DNA2 protein (p.Glu20Gly). Algorithms developed to predict the effect of missense changes on protein structure and function output the following: SIFT: "Tolerated"; PolyPhen-2: "Not Available"; Align-GVGD: "Class C0". The glycine amino acid residue is found in multiple mammalian species, which suggests that this missense change does not adversely affect protein function. This variant has not been reported in the literature in individuals affected with DNA2-related conditions.

NM_001080449.3(DNA2):c.59A>G (p.Glu20Gly)

Gene: DNA2 (DNA replication helicase/nuclease 2; minus strand). Cytogenetic location: 10q21.3.
Variant type: single nucleotide variant.
Coding change: c.59A>G on transcript NM_001080449.3 (MANE Select); coding-DNA position 59, A replaced by G.
Protein change: p.Glu20Gly; replaces glutamic acid 20 with glycine.
Molecular consequence: missense variant. On other transcripts: non-coding transcript variant (1).
Genome position (GRCh38, 1-based): chr10:68,471,806, T>C on the plus strand (A>G on the coding strand, the complement: DNA2 is on the minus strand). VCF-style: chr10-68471806-T-C. GRCh37 (hg19) VCF-style: chr10-70231563-T-C.
Other names: short protein forms E20G.
Identifiers: ClinVar variation 2114418 (VCV002114418.4), dbSNP rs2494022710, ClinGen allele CA376833592.